The following is an entry in ClinVar:

NM_006939.4(SOS2):c.1197-32G>A

Gene: SOS2 (SOS Ras/Rho guanine nucleotide exchange factor 2; minus strand). Cytogenetic location: 14q21.3.
Variant type: single nucleotide variant.
Coding change: c.1197-32G>A on transcript NM_006939.4 (MANE Select); 32 bases into the intron before coding-DNA position 1197, G replaced by A.
Molecular consequence: intron variant.
Genome position (GRCh38, 1-based): chr14:50,160,118, C>T on the plus strand (G>A on the coding strand, the complement: SOS2 is on the minus strand). VCF-style: chr14-50160118-C-T. GRCh37 (hg19) VCF-style: chr14-50626836-C-T.
Identifiers: ClinVar variation 561599 (VCV000561599.4), dbSNP rs4900992, ClinGen allele CA7177314.
Genomic context (GRCh38, chr14:50,160,118, plus strand): 5'-GGTGACTATAAAAAGGGCAAACAGGATCTCTAGAAAAAACAAACAATATAGCTTATTCAA[C>T]AGCTAGCAACCCAAATGGTTTCAAGCATAAACCATCTCAAATCAAGTGAGTAAAATATTA-3'

ClinVar aggregate classification (germline): Benign. Review status: criteria provided, multiple submitters, no conflicts (2 of 4 stars). 3 submissions from 3 submitters: Benign (3). Last evaluated 2021-07-15.

Conditions:
Noonan syndrome 9 (NS9). Identifiers: Orphanet 648, MedGen C4225282, MONDO:0014691, OMIM 616559.

Allele frequency attached by ClinVar (database versions not stated): 1000 Genomes Project 0.85304; 1000 Genomes Project 30x 0.85462; ESP Exome Variant Server 0.86229; gnomAD exomes 0.86885 and 0.87051; gnomAD 0.86915 and 0.87236; ExAC 0.87161; TOPMed 0.87371.
gnomAD v4.1: 1,344,879 of 1,548,262 alleles (87%); highest among the groups gnomAD compares: East Asian, 92%; 585,274 homozygotes.

Submissions (3):

Genome-Nilou Lab
Classification: Benign for Noonan syndrome 9. Last evaluated: 2021-07-15. Review status: criteria provided, single submitter. Criteria: ACMG Guidelines, 2015. Collection method: clinical testing. Allele origin: germline. Affected: no.

GeneDx
Classification: Benign. Last evaluated: 2018-06-14. Review status: criteria provided, single submitter. Criteria: GeneDx Variant Classification (06012015). Collection method: clinical testing. Allele origin: germline. Affected: yes.
Comment: This variant is considered likely benign or benign based on one or more of the following criteria: it is a conservative change, it occurs at a poorly conserved position in the protein, it is predicted to be benign by multiple in silico algorithms, and/or has population frequency not consistent with disease.

Breakthrough Genomics
Classification: Benign. Review status: criteria provided, single submitter. Criteria: ACMG Guidelines, 2015. Collection method: not provided. Allele origin: germline. Inheritance: Autosomal dominant inheritance. Affected: yes.